The following is an entry in ClinVar:

NM_001023570.4(IQCB1):c.252A>G (p.Thr84=)

Gene: IQCB1 (IQ motif containing B1; minus strand). Cytogenetic location: 3q13.33.
Variant type: single nucleotide variant.
Coding change: c.252A>G on transcript NM_001023570.4 (MANE Select); coding-DNA position 252, A replaced by G.
Protein change: p.Thr84=; no amino-acid change (threonine 84 retained).
Molecular consequence: synonymous variant. On other transcripts: non-coding transcript variant (1).
Genome position (GRCh38, 1-based): chr3:121,828,481, T>C on the plus strand (A>G on the coding strand, the complement: IQCB1 is on the minus strand). VCF-style: chr3-121828481-T-C. GRCh37 (hg19) VCF-style: chr3-121547328-T-C.
Other names: c.252A>G, p.Thr84= (NM_001023571.4, NM_001319107.2); c.252A>G (NM_001023570.3).
Identifiers: ClinVar variation 699069 (VCV000699069.11), dbSNP rs200461388, ClinGen allele CA2567490.

ClinVar aggregate classification (germline): Likely benign. Review status: criteria provided, multiple submitters, no conflicts (2 of 4 stars). 2 submissions from 2 submitters: Likely benign (2). Last evaluated 2026-05-13.

Conditions:
IQCB1-related disorder. Also called: IQCB1-related condition.
Nephronophthisis. Also called: Juvenile Nephronophthisis. Identifiers: Orphanet 655, MedGen C0687120, MONDO:0019005, HP:0000090.

Allele frequency attached by ClinVar (database versions not stated): ExAC 0.00001; gnomAD 0.00001; gnomAD exomes 0.00001; TOPMed 0.00002.
gnomAD v4.1: 7 of 1,612,680 alleles (0.00043%); highest among the groups gnomAD compares: East Asian, 0.0022%; no homozygotes.

Submissions (2):

PreventionGenetics, part of Exact Sciences
Classification: Likely benign for IQCB1-related condition. Last evaluated: 2026-05-13. Review status: criteria provided, single submitter. Criteria: ACMG Guidelines, 2015. Collection method: clinical testing. Allele origin: germline.
Comment: This variant is classified as likely benign based on ACMG/AMP sequence variant interpretation guidelines (Richards et al. 2015 PMID: 25741868, with internal and published modifications).

Labcorp Genetics (formerly Invitae), Labcorp
Classification: Likely benign for Nephronophthisis. Last evaluated: 2024-01-18. Review status: criteria provided, single submitter. Criteria: Invitae Variant Classification Sherloc (09022015). Collection method: clinical testing. Allele origin: germline.